The following is an entry in ClinVar:

ClinVar aggregate classification (germline): Uncertain significance. Review status: criteria provided, multiple submitters, no conflicts (2 of 4 stars). 4 submissions from 4 submitters: Uncertain significance (2). 2 of the submissions do not count toward it. Last evaluated 2024-06-12.

Conditions:
Malignant tumor of breast. Also called: Malignant breast neoplasm; Cancer breast. Identifiers: MedGen C0006142, MONDO:0007254. Disease mechanism: loss of function.
Fanconi anemia complementation group O. Also called: RAD51C-Related Fanconi Anemia. Identifiers: Orphanet 84, MedGen C3150653, MONDO:0013248, OMIM 613390.
Hereditary cancer-predisposing syndrome. Also called: Tumor predisposition; Hereditary neoplastic syndrome; Neoplastic Syndromes, Hereditary; Hereditary Cancer Syndrome. Identifiers: Orphanet 140162, MedGen C0027672, MeSH D009386, MONDO:0015356.

Submissions (4):

Labcorp Genetics (formerly Invitae), Labcorp
Classification: Uncertain significance for Fanconi anemia complementation group O. Last evaluated: 2024-06-12. Review status: criteria provided, single submitter. Criteria: Invitae Variant Classification Sherloc (09022015). Collection method: clinical testing. Allele origin: germline.
Comment: This sequence change replaces aspartic acid, which is acidic and polar, with asparagine, which is neutral and polar, at codon 159 of the RAD51C protein (p.Asp159Asn). This variant is not present in population databases (gnomAD no frequency). This missense change has been observed in individual(s) with breast cancer (PMID: 20400964, 24993905). ClinVar contains an entry for this variant (Variation ID: 929791). Advanced modeling of protein sequence and biophysical properties (such as structural, functional, and spatial information, amino acid conservation, physicochemical variation, residue mobility, and thermodynamic stability) performed at Invitae indicates that this missense variant is expected to disrupt RAD51C protein function with a positive predictive value of 80%. Experimental studies have shown that this missense change affects RAD51C function (PMID: 22167183, 24141787, 25292178, 37253112). In summary, the available evidence is currently insufficient to determine the role of this variant in disease. Therefore, it has been classified as a Variant of Uncertain Significance.

Ambry Genetics
Classification: Uncertain significance for Hereditary cancer-predisposing syndrome. Last evaluated: 2020-01-02. Review status: criteria provided, single submitter. Criteria: Ambry Variant Classification Scheme 2023. Collection method: clinical testing. Allele origin: germline.
Comment: The p.D159N variant (also known as c.475G>A), located in coding exon 3 of the RAD51C gene, results from a G to A substitution at nucleotide position 475. The aspartic acid at codon 159 is replaced by asparagine, an amino acid with highly similar properties. In a study of 1100 German high-risk breast and/or ovarian cancer families, this alteration was detected in 1 individual (Meindl A et al. Nat. Genet., 2010 May;42:410-4). Multiple functional studies have demonstrated that this alteration moderately impairs protein function (Meindl A et al. Nat. Genet., 2010 May;42:410-4; Somyajit K et al. J. Biol. Chem., 2012 Jan;287:3366-80; Somyajit K et al. Carcinogenesis, 2015 Jan;36:13-24). This amino acid position is highly conserved in available vertebrate species. In addition, the in silico prediction for this alteration is inconclusive. Since supporting evidence is limited at this time, the clinical significance of this alteration remains unclear.

Leiden Open Variation Database
Classification: Likely benign. Last evaluated: 2014-11-02. Review status: no assertion criteria provided. Collection method: curation. Allele origin: germline. Affected: yes. Not counted in ClinVar's aggregate classification.
Comment: Curator: Arleen D. Auerbach. Submitter to LOVD: Johan den Dunnen.

Department of Pathology and Laboratory Medicine, Sinai Health System
Classification: Uncertain significance for Malignant tumor of breast. Review status: no assertion criteria provided. Collection method: clinical testing. Allele origin: unknown. Affected: yes. Study: The Canadian Open Genetics Repository (COGR). Not counted in ClinVar's aggregate classification.
Comment: The RAD51C p.Asp159Asn variant was identified in 1 of 2200 proband chromosomes (frequency: 0.0005) from individuals or families with breast cancer and was not identified in 960 chromosomes from individuals or families with ovarian cancer or from 5824 control chromosomes from healthy individuals (Meindl 2009). The variant was also identified in the LOVD 3.0 database (not classified). The variant was not identified in dbSNP or ClinVar. The variant was not identified in the following control databases: the Exome Aggregation Consortium (August 8th 2016) or the Genome Aggregation Database (Feb 27, 2017). In one study, this variant partially restored mitocyn-C sensitivity of Å’Ã®Rad51c DT40 cells compared to the wild-type cDNA; it also resulted in normal RAD51 foci formation when the missense protein was expressed in human RAD51C-mutated fibroblast cells; and was considered to be an unclassified variant (Meindl 2009). The p.Asp159 residue is conserved across mammals and other organisms, and four out of five computational analyses (PolyPhen-2, SIFT, AlignGVGD, BLOSUM, MutationTaster) suggest that the variant may impact the protein; however, this information is not predictive enough to assume pathogenicity. The variant occurs outside of the splicing consensus sequence and in silico or computational prediction software programs (SpliceSiteFinder, MaxEntScan, NNSPLICE, GeneSplicer) do not predict a difference in splicing. In summary, based on the above information, the clinical significance of this variant cannot be determined with certainty at this time. This variant is classified as a variant of uncertain significance.

Literature cited by the submitters: PubMed 20400964 (cited by 3 submitters); PubMed 24993905 (cited by Labcorp Genetics (formerly Invitae), Labcorp and Ambry Genetics); PubMed 22167183 (cited by Labcorp Genetics (formerly Invitae), Labcorp and Ambry Genetics); PubMed 24141787 (cited by Labcorp Genetics (formerly Invitae), Labcorp); PubMed 25292178 (cited by Labcorp Genetics (formerly Invitae), Labcorp and Ambry Genetics); PubMed 37253112 (cited by Labcorp Genetics (formerly Invitae), Labcorp); PubMed 20952512 (cited by Ambry Genetics); PubMed 23117857 (cited by Ambry Genetics); PubMed 25086635 (cited by Ambry Genetics); PubMed 25470109 (cited by Ambry Genetics); PubMed 28829762 (cited by Ambry Genetics).

NM_058216.3(RAD51C):c.475G>A (p.Asp159Asn)

Gene: RAD51C (RAD51 paralog C; plus strand). Cytogenetic location: 17q22.
Variant type: single nucleotide variant.
Coding change: c.475G>A on transcript NM_058216.3 (MANE Select); coding-DNA position 475, G replaced by A.
Protein change: p.Asp159Asn; replaces aspartic acid 159 with asparagine.
Molecular consequence: missense variant.
Genome position (GRCh38, 1-based): chr17:58,696,763, G>A. VCF-style: chr17-58696763-G-A. GRCh37 (hg19) VCF-style: chr17-56774124-G-A.
Other names: short protein forms D159N.
Identifiers: ClinVar variation 929791 (VCV000929791.7), dbSNP rs775213492, ClinGen allele CA400344677.
Genomic context (GRCh38, chr17:58,696,763, plus strand): 5'-GCAGTAGATGTGCAGATACCAGAATGTTTTGGAGGAGTGGCAGGTGAAGCAGTTTTTATT[G>A]ATACAGAGGGAAGTTTTATGGTTGATAGAGTGGTAGACCTTGCTACTGCCTGCATTCAGC-3'
Protein context (NP_478123.1, residues 149-169): GGVAGEAVFI[Asp159Asn]TEGSFMVDRV